The following is an entry in ClinVar:

NM_004260.4(RECQL4):c.1814A>G (p.Asp605Gly)

Gene: RECQL4 (RecQ like helicase 4; minus strand). Cytogenetic location: 8q24.3.
Variant type: single nucleotide variant.
Coding change: c.1814A>G on transcript NM_004260.4 (MANE Select); coding-DNA position 1814, A replaced by G.
Protein change: p.Asp605Gly; replaces aspartic acid 605 with glycine.
Molecular consequence: missense variant. On other transcripts: intron variant (3), non-coding transcript variant (3).
Genome position (GRCh38, 1-based): chr8:144,514,253, T>C on the plus strand (A>G on the coding strand, the complement: RECQL4 is on the minus strand). VCF-style: chr8-144514253-T-C. GRCh37 (hg19) VCF-style: chr8-145739637-T-C.
Other names: c.568-23A>G (NM_001413031.1); c.634-23A>G (NM_001413037.1); c.677A>G, p.Asp226Gly (NM_001413041.1, NM_001413027.1, NM_001413030.1 and 1 more transcripts); c.713A>G, p.Asp238Gly (NM_001413042.1); c.347A>G, p.Asp116Gly (NM_001413043.1); c.1705-23A>G (NM_001413033.1); c.1718A>G, p.Asp573Gly (NM_001413017.1, NM_001413020.1); c.1814A>G, p.Asp605Gly (NM_001413018.1, NM_001413019.1, NM_001413036.1); and 4 more; short protein forms D238G, D595G, D248G, D573G, D116G, D226G, D488G, D605G.
Identifiers: ClinVar variation 5028102 (VCV005028102.1).
Genomic context (GRCh38, chr8:144,514,253, plus strand): 5'-CAGACGCGCAGGTAGCAGGGCCGGAAGTTGTGGGACCACTGGGAGAGGCAGTGGGCCTCA[T>C]CAATGCAGGCAAAAGCAACTGGAGGCAGCTGTGCGGCTGGAGGGAGGCCTCCCGCCCCCA-3'
Protein context (NP_004251.4, residues 595-615): QLPPVAFACI[Asp605Gly]EAHCLSQWSH

ClinVar aggregate classification (germline): Uncertain significance (1 of 4 stars; one submission).

Conditions:
Inborn genetic diseases. Identifiers: MedGen C0950123, MeSH D030342.

Submission:

Ambry Genetics
Classification: Uncertain significance for Inborn genetic diseases. Last evaluated: 2026-08-18. Review status: criteria provided, single submitter. Criteria: Ambry Variant Classification Scheme 2023. Collection method: clinical testing. Allele origin: germline.
Comment: The p.D605G variant (also known as c.1814A>G), located in coding exon 11 of the RECQL4 gene, results from an A to G substitution at nucleotide position 1814. The aspartic acid at codon 605 is replaced by glycine, an amino acid with similar properties. This amino acid position is conserved. In addition, this alteration is predicted to be deleterious by in silico analysis. Based on the available evidence, the clinical significance of this variant remains unclear.